The following is an entry in ClinVar:

ClinVar aggregate classification (germline): Likely pathogenic (3 of 4 stars; one submission).

Conditions:
Glanzmann thrombasthenia. Also called: Glanzmann's thrombasthenia; PLATELET GLYCOPROTEIN IIb-IIIa DEFICIENCY; BLEEDING DISORDER, PLATELET-TYPE, 2; THROMBASTHENIA OF GLANZMANN AND NAEGELI; Thrombasthenia. Identifiers: Orphanet 849, MedGen C0040015, MONDO:0100326.

Submission:

ClinGen Platelet Disorders Variant Curation Expert Panel, ClinGen
Classification: Likely pathogenic for Glanzmann thrombasthenia. Last evaluated: 2024-02-20. Review status: reviewed by expert panel. Criteria: ClinGen Platelet ACMG Specifications v2-1. Collection method: curation. Allele origin: germline. Inheritance: Autosomal recessive inheritance.
Comment: The NM_000419.5(ITGA2B):c.962G>T (p.Gly321Trp) missense variant has been reported in at least one compound heterozygous GT57 proband (PMID:25728920). GT57 of PMID:25728920 meets the criteria for PP4_Strong; including mucocutaneous bleeding, impaired aggregation with all agonists except ristocetin, and reduced surface expression of αIIbβ3 measured by flow cytometry. The variant is absent from all population database cohorts, including gnomADv4.0 (PM2_supporting) and is predicted deleterious (REVEL score 0.95; PP3). In summary this variant meets criteria to be classified as likely pathogenic for GT. GT-specific criteria applied: PM2_Supporting, PP3, and PP4_Strong.

NM_000419.5(ITGA2B):c.961G>T (p.Gly321Trp)

Gene: ITGA2B (integrin subunit alpha 2b; minus strand). Cytogenetic location: 17q21.31.
Variant type: single nucleotide variant.
Coding change: c.961G>T on transcript NM_000419.5 (MANE Select); coding-DNA position 961, G replaced by T.
Protein change: p.Gly321Trp; replaces glycine 321 with tryptophan.
Molecular consequence: missense variant.
Genome position (GRCh38, 1-based): chr17:44,383,931, C>A on the plus strand (G>T on the coding strand, the complement: ITGA2B is on the minus strand). VCF-style: chr17-44383931-C-A. GRCh37 (hg19) VCF-style: chr17-42461299-C-A.
Other names: short protein forms G321W.
Identifiers: ClinVar variation 996170 (VCV000996170.3), dbSNP rs2048619921, ClinGen allele CA399804768.